The following is an entry in ClinVar:

ClinVar aggregate classification (germline): Conflicting classifications of pathogenicity. Review status: criteria provided, conflicting classifications (1 of 4 stars). 5 submissions from 5 submitters: Uncertain significance (4); Likely benign (1). Last evaluated 2026-01-28.

Conditions:
Familial colorectal cancer. Identifiers: MedGen CN280943, MONDO:0023113. Disease mechanism: loss of function.
Mandibular hypoplasia-deafness-progeroid syndrome. Also called: Mandibular hypoplasia, deafness, progeroid features, and lipodystrophy syndrome. Identifiers: Orphanet 363649, MedGen C3715192, MONDO:0014157, OMIM 615381.
Hereditary cancer-predisposing syndrome. Also called: Neoplastic Syndromes, Hereditary; Hereditary neoplastic syndrome; Hereditary Cancer Syndrome; Tumor predisposition. Identifiers: Orphanet 140162, MedGen C0027672, MeSH D009386, MONDO:0015356.
POLD1-related polyposis and colorectal cancer syndrome (CRCS10). Also called: Colorectal cancer, susceptibility to, 10; Colorectal cancer 10; COLORECTAL CANCER, SUSCEPTIBILITY TO, ON CHROMOSOME 19q. Identifiers: Orphanet 220460, MedGen C2675481, MONDO:0012953, OMIM 612591.

Allele frequency attached by ClinVar (database versions not stated): gnomAD exomes 0.00002; ExAC 0.00003; gnomAD 0.00003 and 0.00004; TOPMed 0.00005; ESP Exome Variant Server 0.00008.
gnomAD v4.1: 34 of 1,614,050 alleles (0.0021%); highest among the groups gnomAD compares: African/African-American, 0.017%; no homozygotes.

Submissions (5):

Labcorp Genetics (formerly Invitae), Labcorp
Classification: Uncertain significance for POLD1-related polyposis and colorectal cancer syndrome. Last evaluated: 2026-01-28. Review status: criteria provided, single submitter. Criteria: Invitae Variant Classification Sherloc (09022015). Collection method: clinical testing. Allele origin: germline.
Comment: This sequence change replaces alanine, which is neutral and non-polar, with valine, which is neutral and non-polar, at codon 86 of the POLD1 protein (p.Ala86Val). This variant is present in population databases (rs148040399, gnomAD 0.02%). This variant has not been reported in the literature in individuals affected with POLD1-related conditions. ClinVar contains an entry for this variant (Variation ID: 408058). Invitae Evidence Modeling of protein sequence and biophysical properties (such as structural, functional, and spatial information, amino acid conservation, physicochemical variation, residue mobility, and thermodynamic stability) indicates that this missense variant is not expected to disrupt POLD1 protein function with a negative predictive value of 80%. In summary, the available evidence is currently insufficient to determine the role of this variant in disease. Therefore, it has been classified as a Variant of Uncertain Significance.

Ambry Genetics
Classification: Likely benign for Hereditary cancer-predisposing syndrome. Last evaluated: 2024-12-08. Review status: criteria provided, single submitter. Criteria: Ambry Variant Classification Scheme 2023. Collection method: clinical testing. Allele origin: germline.

GeneDx
Classification: Uncertain significance. Last evaluated: 2023-03-30. Review status: criteria provided, single submitter. Criteria: GeneDx Variant Classification Process June 2021. Collection method: clinical testing. Allele origin: germline. Affected: yes.
Comment: In silico analysis supports that this missense variant does not alter protein structure/function; Has not been previously published as germline pathogenic or benign to our knowledge; This variant is associated with the following publications: (PMID: 27149842)

Quest Diagnostics Nichols Institute San Juan Capistrano
Classification: Uncertain significance. Last evaluated: 2018-07-31. Review status: criteria provided, single submitter. Criteria: Quest Diagnostics criteria. Collection method: clinical testing. Allele origin: germline.

Genetic Services Laboratory, University of Chicago
Classification: Uncertain significance. Last evaluated: 2017-10-17. Review status: criteria provided, single submitter. Criteria: ACMG Guidelines, 2015. Collection method: clinical testing. Allele origin: germline. Affected: no.

NM_002691.4(POLD1):c.257C>T (p.Ala86Val)

Gene: POLD1 (DNA polymerase delta 1, catalytic subunit; plus strand). Cytogenetic location: 19q13.33.
Variant type: single nucleotide variant.
Coding change: c.257C>T on transcript NM_002691.4 (MANE Select); coding-DNA position 257, C replaced by T.
Protein change: p.Ala86Val; replaces alanine 86 with valine.
Molecular consequence: missense variant. On other transcripts: non-coding transcript variant (1).
Genome position (GRCh38, 1-based): chr19:50,399,425, C>T. VCF-style: chr19-50399425-C-T. GRCh37 (hg19) VCF-style: chr19-50902682-C-T.
Other names: c.257C>T, p.Ala86Val (NM_001256849.1, NM_001308632.1); c.257C>T (NM_002691.2); short protein forms A86V.
Identifiers: ClinVar variation 408058 (VCV000408058.24), dbSNP rs148040399, ClinGen allele CA9595664.